The following is an entry in ClinVar:

NM_004863.4(SPTLC2):c.*3224C>T

Gene: SPTLC2 (serine palmitoyltransferase long chain base subunit 2; minus strand). Cytogenetic location: 14q24.3.
Variant type: single nucleotide variant.
Coding change: c.*3224C>T on transcript NM_004863.4 (MANE Select); 3224 bases downstream of the stop codon, C replaced by T.
Molecular consequence: 3 prime UTR variant.
Genome position (GRCh38, 1-based): chr14:77,509,060, G>A on the plus strand (C>T on the coding strand, the complement: SPTLC2 is on the minus strand). VCF-style: chr14-77509060-G-A. GRCh37 (hg19) VCF-style: chr14-77975403-G-A.
Identifiers: ClinVar variation 314612 (VCV000314612.5), dbSNP rs77200167, ClinGen allele CA10641145.
Genomic context (GRCh38, chr14:77,509,060, plus strand): 5'-TCAACTCCTTGGTGTTTGAAGAGGCATGACACAAACATAGAGCCCTTAGTGGTTGTGTAG[G>A]ATGCTTCTGTTCACCTTGATGACTACAGAAGCAAGAATCCTGTTTTAAAATCCTTGCCCT-3'

ClinVar aggregate classification (germline): Benign (1 of 4 stars; one submission).

Conditions:
Neuropathy, hereditary sensory and autonomic, type 1C. Also called: HSAN IC; HSN IC. Identifiers: Orphanet 36386, MedGen C3150896, MONDO:0013337, OMIM 613640.

Allele frequency attached by ClinVar (database versions not stated): 1000 Genomes Project 0.00779; 1000 Genomes Project 30x 0.00859; gnomAD 0.00881 and 0.00956; TOPMed 0.00999.

Submission:

Illumina Laboratory Services, Illumina
Classification: Benign for Neuropathy, hereditary sensory and autonomic, type 1C. Last evaluated: 2018-01-12. Review status: criteria provided, single submitter. Criteria: ICSL Variant Classification Criteria 13 December 2019. Collection method: clinical testing. Allele origin: germline.
Comment: This variant was observed in the ICSL laboratory as part of a predisposition screen in an ostensibly healthy population. It had not been previously curated by ICSL or reported in the Human Gene Mutation Database (HGMD: prior to June 1st, 2018), and was therefore a candidate for classification through an automated scoring system. Utilizing variant allele frequency, disease prevalence and penetrance estimates, and inheritance mode, an automated score was calculated to assess if this variant is too frequent to cause the disease. Based on the score and internal cut-off values, a variant classified as benign is not then subjected to further curation. The score for this variant resulted in a classification of benign for this disease.